The following is an entry in ClinVar:

ClinVar aggregate classification (germline): Likely benign (1 of 4 stars; one submission).

Submission:

CeGaT Center for Human Genetics Tuebingen
Classification: Likely benign. Last evaluated: 2026-09-01. Review status: criteria provided, single submitter. Criteria: CeGaT Center For Human Genetics Tuebingen Variant Classification Criteria Version 2. Collection method: clinical testing. Allele origin: germline. Affected: yes. Observed: 3 variant alleles.
Comment: TCF3: PM2:Supporting, BP4, BP7

NM_003200.5(TCF3):c.1452G>C (p.Gly484=)

Gene: TCF3 (transcription factor 3; minus strand). Cytogenetic location: 19p13.3.
Variant type: single nucleotide variant.
Coding change: c.1452G>C on transcript NM_003200.5 (MANE Select); coding-DNA position 1452, G replaced by C.
Protein change: p.Gly484=; no amino-acid change (glycine 484 retained).
Molecular consequence: synonymous variant.
Genome position (GRCh38, 1-based): chr19:1,615,820, C>G on the plus strand (G>C on the coding strand, the complement: TCF3 is on the minus strand). VCF-style: chr19-1615820-C-G. GRCh37 (hg19) VCF-style: chr19-1615819-C-G.
Other names: c.1452G>C, p.Gly484= (NM_001136139.4, NM_001351779.2); c.1449G>C, p.Gly483= (NM_001351778.2).
Identifiers: ClinVar variation 4821722 (VCV004821722.4).
Genomic context (GRCh38, chr19:1,615,820, plus strand): 5'-GTCCTCCTTCTCCTCCCGCTTGATCTCGCTGGCGGCCGCCGTGGCACCTGCTCGCCCTAG[C>G]CCTGCAACAGGCCTAGGGTCAGGGGCCTGCGTCGGCCTCCAGGGCCAACTGACATATCTC-3'
Protein context (NP_003191.1, residues 474-494): DLSRPPDSYS[Gly484=]LGRAGATAAA